The following is an entry in ClinVar:

NM_024719.4(GRTP1):c.466-1710A>G

Gene: GRTP1 (growth hormone regulated TBC protein 1; minus strand). Cytogenetic location: 13q34.
Variant type: single nucleotide variant.
Coding change: c.466-1710A>G on transcript NM_024719.4 (MANE Select); 1710 bases into the intron before coding-DNA position 466, A replaced by G.
Molecular consequence: intron variant.
Genome position (GRCh38, 1-based): chr13:113,346,669, T>C on the plus strand (A>G on the coding strand, the complement: GRTP1 is on the minus strand). VCF-style: chr13-113346669-T-C. GRCh37 (hg19) VCF-style: chr13-114000984-T-C.
Other names: c.466-1710A>G (NM_001286733.1, NM_001286732.2); c.232-1710A>G (NM_001411029.1).
Identifiers: ClinVar variation 2643998 (VCV002643998.24), dbSNP rs1382893288, ClinGen allele CA612715745.

ClinVar aggregate classification (germline): Likely benign (1 of 4 stars; one submission).

gnomAD v4.1: 7 of 178 alleles (3.9%); highest among the groups gnomAD compares: African/African-American, 5.1%; 3 homozygotes.

Submission:

CeGaT Center for Human Genetics Tuebingen
Classification: Likely benign. Last evaluated: 2023-01-01. Review status: criteria provided, single submitter. Criteria: CeGaT Center For Human Genetics Tuebingen Variant Classification Criteria Version 2. Collection method: clinical testing. Allele origin: germline. Affected: yes. Observed: 2 variant alleles.
Comment: GRTP1: BS2